The following is an entry in ClinVar:

ClinVar aggregate classification (germline): Conflicting classifications of pathogenicity. Review status: criteria provided, conflicting classifications (1 of 4 stars). 7 submissions from 7 submitters: Uncertain significance (3); Likely benign (3). 1 of the submissions does not count toward it. Last evaluated 2026-01-11.

Conditions:
FRAS1-related disorder. Also called: FRAS1-related condition.
Fraser syndrome 1 (FRASRS1). Also called: CRYPTOPHTHALMOS WITH OTHER MALFORMATIONS. Identifiers: Orphanet 2052, MedGen C4551480, MONDO:0054737, OMIM 219000.

Allele frequency attached by ClinVar (database versions not stated): gnomAD exomes 0.00029; ExAC 0.00036; gnomAD 0.00091 and 0.00092; 1000 Genomes Project 0.00100; ESP Exome Variant Server 0.00105; 1000 Genomes Project 30x 0.00094; TOPMed 0.00114.
gnomAD v4.1: 467 of 1,613,102 alleles (0.029%); highest among the groups gnomAD compares: African/African-American, 0.34%; 6 homozygotes.

Submissions (7):

Labcorp Genetics (formerly Invitae), Labcorp
Classification: Likely benign. Last evaluated: 2026-01-11. Review status: criteria provided, single submitter. Criteria: Invitae Variant Classification Sherloc (09022015). Collection method: clinical testing. Allele origin: germline.

Blueprint Genetics
Classification: Likely benign. Last evaluated: 2024-09-09. Review status: criteria provided, single submitter. Criteria: ACMG Guidelines, 2015. Collection method: clinical testing. Allele origin: germline.

CeGaT Center for Human Genetics Tuebingen
Classification: Likely benign. Last evaluated: 2023-08-01. Review status: criteria provided, single submitter. Criteria: CeGaT Center For Human Genetics Tuebingen Variant Classification Criteria Version 2. Collection method: clinical testing. Allele origin: germline. Affected: yes. Observed: 1 variant allele.
Comment: FRAS1: BP4

GeneDx
Classification: Uncertain significance. Last evaluated: 2019-12-02. Review status: criteria provided, single submitter. Criteria: GeneDx Variant Classification Process June 2021. Collection method: clinical testing. Allele origin: germline. Affected: yes.
Comment: In silico analysis, which includes protein predictors and evolutionary conservation, supports that this variant does not alter protein structure/function; Has not been previously published as pathogenic or benign to our knowledge

Illumina Laboratory Services, Illumina
Classification: Uncertain significance for Fraser syndrome 1. Last evaluated: 2018-01-13. Review status: criteria provided, single submitter. Criteria: ICSL Variant Classification Criteria 13 December 2019. Collection method: clinical testing. Allele origin: germline.

Center for Pediatric Genomic Medicine, Children's Mercy Hospital and Clinics
Classification: Uncertain significance. Last evaluated: 2017-03-20. Review status: criteria provided, single submitter. Criteria: ACMG Guidelines, 2015. Collection method: clinical testing. Allele origin: germline.

PreventionGenetics, part of Exact Sciences
Classification: Likely benign for FRAS1-related condition. Last evaluated: 2024-05-15. Review status: no assertion criteria provided. Collection method: clinical testing. Allele origin: germline. Not counted in ClinVar's aggregate classification.
Comment: This variant is classified as likely benign based on ACMG/AMP sequence variant interpretation guidelines (Richards et al. 2015 PMID: 25741868, with internal and published modifications).

NM_025074.7(FRAS1):c.2956G>A (p.Ala986Thr)

Gene: FRAS1 (Fraser extracellular matrix complex subunit 1; plus strand). Cytogenetic location: 4q21.21.
Variant type: single nucleotide variant.
Coding change: c.2956G>A on transcript NM_025074.7 (MANE Select); coding-DNA position 2956, G replaced by A.
Protein change: p.Ala986Thr; replaces alanine 986 with threonine.
Molecular consequence: missense variant.
Genome position (GRCh38, 1-based): chr4:78,372,804, G>A. VCF-style: chr4-78372804-G-A. GRCh37 (hg19) VCF-style: chr4-79293958-G-A.
Other names: c.2956G>A, p.Ala986Thr (NM_001166133.2); short protein forms A986T.
Identifiers: ClinVar variation 445365 (VCV000445365.42), dbSNP rs111554790, ClinGen allele CA2976778.